The following is an entry in ClinVar:

ClinVar aggregate classification (germline): Uncertain significance. Review status: criteria provided, multiple submitters, no conflicts (2 of 4 stars). 2 submissions from 2 submitters: Uncertain significance (2). Last evaluated 2025-07-07.

Submissions (2):

Labcorp Genetics (formerly Invitae), Labcorp
Classification: Uncertain significance. Last evaluated: 2025-07-07. Review status: criteria provided, single submitter. Criteria: Invitae Variant Classification Sherloc (09022015). Collection method: clinical testing. Allele origin: germline.
Comment: This sequence change replaces arginine, which is basic and polar, with histidine, which is basic and polar, at codon 695 of the ARHGEF1 protein (p.Arg695His). This variant is present in population databases (rs781874549, gnomAD 0.009%). This variant has not been reported in the literature in individuals affected with ARHGEF1-related conditions. ClinVar contains an entry for this variant (Variation ID: 3604975). An algorithm developed to predict the effect of missense changes on protein structure and function (PolyPhen-2) suggests that this variant is likely to be disruptive. In summary, the available evidence is currently insufficient to determine the role of this variant in disease. Therefore, it has been classified as a Variant of Uncertain Significance.

Ambry Genetics
Classification: Uncertain significance. Last evaluated: 2025-05-14. Review status: criteria provided, single submitter. Criteria: Ambry Variant Classification Scheme 2023. Collection method: clinical testing. Allele origin: germline.

NM_004706.4(ARHGEF1):c.2039G>A (p.Arg680His)

Gene: ARHGEF1 (Rho guanine nucleotide exchange factor 1; plus strand). Cytogenetic location: 19q13.2.
Variant type: single nucleotide variant.
Coding change: c.2039G>A on transcript NM_004706.4 (MANE Select); coding-DNA position 2039, G replaced by A.
Protein change: p.Arg680His; replaces arginine 680 with histidine.
Molecular consequence: missense variant. On other transcripts: non-coding transcript variant (2).
Genome position (GRCh38, 1-based): chr19:41,904,261, G>A. VCF-style: chr19-41904261-G-A. GRCh37 (hg19) VCF-style: chr19-42408413-G-A.
Other names: c.2084G>A (NM_199002.1); c.2207G>A, p.Arg736His (NM_001396000.1); c.1940G>A, p.Arg647His (NM_001396002.1, NM_001396004.1, NM_198977.2); c.2039G>A, p.Arg680His (NM_001396003.1, NM_001396006.1); c.2084G>A, p.Arg695His (NM_199002.2); short protein forms R647H, R680H, R695H, R736H.
Identifiers: ClinVar variation 3604975 (VCV003604975.3).